The following is an entry in ClinVar:

ClinVar aggregate classification (germline): Benign/Likely benign. Review status: criteria provided, multiple submitters, no conflicts (2 of 4 stars). 7 submissions from 6 submitters: Benign (2); Likely benign (5). Last evaluated 2026-02-02.

Conditions:
Orofacial cleft 6, susceptibility to (OFC6). Also called: CLEFT LIP WITH OR WITHOUT CLEFT PALATE, NONSYNDROMIC, 6. Identifiers: MedGen C1837213, MONDO:0012141, OMIM 608864.
Van der Woude syndrome. Identifiers: Orphanet 888, MedGen C0175697, MONDO:0019508.
Popliteal pterygium syndrome (PPS). Identifiers: Orphanet 294963, MedGen C0265259, MONDO:0017435.
Van der Woude syndrome 1. Also called: CLEFT LIP AND/OR PALATE WITH MUCOUS CYSTS OF LOWER LIP; van der Woude Syndrome (VWS). Identifiers: MedGen C4551864, MONDO:0007333, OMIM 119300.

Allele frequency attached by ClinVar (database versions not stated): 1000 Genomes Project 0.00200; 1000 Genomes Project 30x 0.00203; gnomAD 0.00237 and 0.00238; ExAC 0.00246; gnomAD exomes 0.00252 and 0.00379; TOPMed 0.00254; ESP Exome Variant Server 0.00338.

Submissions (7):

Labcorp Genetics (formerly Invitae), Labcorp
Classification: Benign for Orofacial cleft 6, susceptibility to; Van der Woude syndrome; Popliteal pterygium syndrome. Last evaluated: 2026-02-02. Review status: criteria provided, single submitter. Criteria: Invitae Variant Classification Sherloc (09022015). Collection method: clinical testing. Allele origin: germline.

CeGaT Center for Human Genetics Tuebingen
Classification: Likely benign. Last evaluated: 2025-11-01. Review status: criteria provided, single submitter. Criteria: CeGaT Center For Human Genetics Tuebingen Variant Classification Criteria Version 2. Collection method: clinical testing. Allele origin: germline. Affected: yes. Observed: 2 variant alleles.
Comment: IRF6: BP4, BP7

Blueprint Genetics
Classification: Likely benign. Last evaluated: 2024-11-15. Review status: criteria provided, single submitter. Criteria: ACMG Guidelines, 2015. Collection method: clinical testing. Allele origin: germline.

Illumina Laboratory Services, Illumina
Classification: Likely benign for Orofacial cleft 6, susceptibility to. Last evaluated: 2017-04-27. Review status: criteria provided, single submitter. Criteria: ICSL Variant Classification Criteria 13 December 2019. Collection method: clinical testing. Allele origin: germline.
Comment: This variant was observed as part of a predisposition screen in an ostensibly healthy population. A literature search was performed for the gene, cDNA change, and amino acid change (where applicable). No publications were found based on this search. Allele frequency data from public databases allowed determination this variant is unlikely to cause disease. Therefore, this variant is classified as likely benign.

Illumina Laboratory Services, Illumina
Classification: Likely benign for Van der Woude syndrome 1. Last evaluated: 2017-04-27. Review status: criteria provided, single submitter. Criteria: ICSL Variant Classification Criteria 13 December 2019. Collection method: clinical testing. Allele origin: germline.
Comment: the same text as in the submission from Illumina Laboratory Services, Illumina above.

GeneDx
Classification: Benign. Last evaluated: 2015-03-03. Review status: criteria provided, single submitter. Criteria: GeneDx Variant Classification Process June 2021. Collection method: clinical testing. Allele origin: germline. Affected: yes.

PreventionGenetics, part of Exact Sciences
Classification: Likely benign. Review status: criteria provided, single submitter. Criteria: ACMG Guidelines, 2015. Collection method: clinical testing. Allele origin: germline.

NM_006147.4(IRF6):c.759T>C (p.Tyr253=)

Gene: IRF6 (interferon regulatory factor 6; minus strand). Cytogenetic location: 1q32.2.
Variant type: single nucleotide variant.
Coding change: c.759T>C on transcript NM_006147.4 (MANE Select); coding-DNA position 759, T replaced by C.
Protein change: p.Tyr253=; no amino-acid change (tyrosine 253 retained).
Molecular consequence: synonymous variant.
Genome position (GRCh38, 1-based): chr1:209,790,796, A>G on the plus strand (T>C on the coding strand, the complement: IRF6 is on the minus strand). VCF-style: chr1-209790796-A-G. GRCh37 (hg19) VCF-style: chr1-209964141-A-G.
Other names: c.474T>C, p.Tyr158= (NM_001206696.2).
Identifiers: ClinVar variation 259927 (VCV000259927.32), dbSNP rs41303263, ClinGen allele CA1377250.